The following is an entry in ClinVar:

NM_015311.3(OBSL1):c.1406del (p.Pro469fs)

Gene: OBSL1 (obscurin like cytoskeletal adaptor 1; minus strand). Cytogenetic location: 2q35.
Variant type: Deletion.
Coding change: c.1406del on transcript NM_015311.3 (MANE Select); coding-DNA position 1406, one base deleted (C; older notation c.1406delC).
Protein change: p.Pro469fs; shifts the reading frame from proline 469.
Molecular consequence: frameshift variant.
Genome position (GRCh38, 1-based): chr2:219,567,846, G deleted on the plus strand (C on the coding strand, the reverse complement: OBSL1 is on the minus strand); the first of 2 consecutive G bases (chr2:219,567,846-219,567,847); deleting either gives the same sequence. VCF-style (leftmost placement, unchanged base first): chr2-219567845-CG-C. GRCh37 (hg19) VCF-style: chr2-220432567-CG-C.
Other names: c.1406del, p.Pro469fs (NM_001173408.2, NM_001173431.2); c.1406del (NM_015311.2); short protein forms P469fs.
Identifiers: ClinVar variation 2797165 (VCV002797165.5), dbSNP rs2469065148, ClinGen allele CA2577254909.

ClinVar aggregate classification (germline): Pathogenic. Review status: criteria provided, multiple submitters, no conflicts (2 of 4 stars). 2 submissions from 2 submitters: Pathogenic (2). Last evaluated 2026-02-11.

Submissions (2):

GeneDx
Classification: Pathogenic. Last evaluated: 2026-02-11. Review status: criteria provided, single submitter. Criteria: GeneDx Variant Classification Process June 2021. Collection method: clinical testing. Allele origin: germline.
Comment: Frameshift variant predicted to result in protein truncation or nonsense mediated decay in a gene for which loss of function is a known mechanism of disease; Not observed at significant frequency in large population cohorts (gnomAD); Has not been previously published as pathogenic or benign to our knowledge

Labcorp Genetics (formerly Invitae), Labcorp
Classification: Pathogenic. Last evaluated: 2024-05-31. Review status: criteria provided, single submitter. Criteria: Invitae Variant Classification Sherloc (09022015). Collection method: clinical testing. Allele origin: germline.
Comment: This sequence change creates a premature translational stop signal (p.Pro469Argfs*42) in the OBSL1 gene. It is expected to result in an absent or disrupted protein product. Loss-of-function variants in OBSL1 are known to be pathogenic (PMID: 19481195, 19877176). This variant is not present in population databases (gnomAD no frequency). This variant has not been reported in the literature in individuals affected with OBSL1-related conditions. For these reasons, this variant has been classified as Pathogenic.

Literature cited by the submitters: PubMed 19481195 (cited by Labcorp Genetics (formerly Invitae), Labcorp); PubMed 19877176 (cited by Labcorp Genetics (formerly Invitae), Labcorp).